The following is an entry in ClinVar:

NM_022041.4(GAN):c.863C>T (p.Pro288Leu)

Gene: GAN (gigaxonin; plus strand). Cytogenetic location: 16q23.2.
Variant type: single nucleotide variant.
Coding change: c.863C>T on transcript NM_022041.4 (MANE Select); coding-DNA position 863, C replaced by T.
Protein change: p.Pro288Leu; replaces proline 288 with leucine.
Molecular consequence: missense variant.
Genome position (GRCh38, 1-based): chr16:81,357,821, C>T. VCF-style: chr16-81357821-C-T. GRCh37 (hg19) VCF-style: chr16-81391426-C-T.
Other names: c.224C>T, p.Pro75Leu (NM_001377486.1); short protein forms P288L, P75L.
Identifiers: ClinVar variation 1764127 (VCV001764127.2), dbSNP rs1567492891, ClinGen allele CA396873098.

ClinVar aggregate classification (germline): Uncertain significance (1 of 4 stars; one submission).

Conditions:
Inborn genetic diseases. Identifiers: MedGen C0950123, MeSH D030342.

gnomAD v4.1: 5 of 1,613,518 alleles (0.00031%); highest among the groups gnomAD compares: Non-Finnish European, 0.00042%; no homozygotes.

Submission:

Ambry Genetics
Classification: Uncertain significance for Inborn genetic diseases. Last evaluated: 2022-02-09. Review status: criteria provided, single submitter. Criteria: Ambry Variant Classification Scheme 2023. Collection method: clinical testing. Allele origin: germline.
Comment: The p.P288L variant (also known as c.863C>T), located in coding exon 5 of the GAN gene, results from a C to T substitution at nucleotide position 863. The proline at codon 288 is replaced by leucine, an amino acid with similar properties. This amino acid position is conserved. In addition, the in silico prediction for this alteration is inconclusive. Since supporting evidence is limited at this time, the clinical significance of this alteration remains unclear.